The following is an entry in ClinVar:

ClinVar aggregate classification (germline): Uncertain significance. Review status: criteria provided, multiple submitters, no conflicts (2 of 4 stars). 2 submissions from 2 submitters: Uncertain significance (2). Last evaluated 2022-11-15.

Conditions:
Inborn genetic diseases. Identifiers: MedGen C0950123, MeSH D030342.

Allele frequency attached by ClinVar (database versions not stated): ExAC 0.00001.
gnomAD v4.1: 1 of 1,601,098 alleles (0.000062%); no homozygotes.

Submissions (2):

Labcorp Genetics (formerly Invitae), Labcorp
Classification: Uncertain significance. Last evaluated: 2022-11-15. Review status: criteria provided, single submitter. Criteria: Invitae Variant Classification Sherloc (09022015). Collection method: clinical testing. Allele origin: germline.
Comment: The frequency data for this variant in the population databases is considered unreliable, as metrics indicate poor data quality at this position in the gnomAD database. In summary, the available evidence is currently insufficient to determine the role of this variant in disease. Therefore, it has been classified as a Variant of Uncertain Significance. Experimental studies and prediction algorithms are not available or were not evaluated, and the functional significance of this variant is currently unknown. ClinVar contains an entry for this variant (Variation ID: 1366869). This variant has not been reported in the literature in individuals affected with COL18A1-related conditions. This sequence change replaces alanine, which is neutral and non-polar, with threonine, which is neutral and polar, at codon 652 of the COL18A1 protein (p.Ala652Thr).

Ambry Genetics
Classification: Uncertain significance for Inborn genetic diseases. Last evaluated: 2021-08-02. Review status: criteria provided, single submitter. Criteria: Ambry Variant Classification Scheme 2023. Collection method: clinical testing. Allele origin: germline.

NM_001379500.1(COL18A1):c.1954G>A (p.Ala652Thr)

Gene: COL18A1 (collagen type XVIII alpha 1 chain; plus strand). Cytogenetic location: 21q22.3.
Variant type: single nucleotide variant.
Coding change: c.1954G>A on transcript NM_001379500.1 (MANE Select); coding-DNA position 1954, G replaced by A.
Protein change: p.Ala652Thr; replaces alanine 652 with threonine.
Molecular consequence: missense variant.
Genome position (GRCh38, 1-based): chr21:45,489,516, G>A. VCF-style: chr21-45489516-G-A. GRCh37 (hg19) VCF-style: chr21-46909430-G-A.
Other names: NM_130445.2:c.1954G>A; c.2494G>A, p.Ala832Thr (NM_030582.4); c.3199G>A, p.Ala1067Thr (NM_130444.3); short protein forms A1067T, A652T, A832T.
Identifiers: ClinVar variation 1366869 (VCV001366869.7), dbSNP rs780076280, ClinGen allele CA10066695.